The following is an entry in ClinVar:

ClinVar aggregate classification (germline): Uncertain significance. Review status: criteria provided, multiple submitters, no conflicts (2 of 4 stars). 2 submissions from 2 submitters: Uncertain significance (2). Last evaluated 2024-06-09.

Conditions:
DICER1-related tumor predisposition. Also called: DICER1-related pleuropulmonary blastoma cancer predisposition syndrome; DICER1 syndrome. Identifiers: Orphanet 284343, MedGen C3839822, MONDO:0100216.

gnomAD v4.1: 1 of 1,613,750 alleles (0.000062%); no homozygotes.

Submissions (2):

Labcorp Genetics (formerly Invitae), Labcorp
Classification: Uncertain significance for DICER1-related tumor predisposition. Last evaluated: 2024-06-09. Review status: criteria provided, single submitter. Criteria: Invitae Variant Classification Sherloc (09022015). Collection method: clinical testing. Allele origin: germline.
Comment: This sequence change replaces proline, which is neutral and non-polar, with serine, which is neutral and polar, at codon 1383 of the DICER1 protein (p.Pro1383Ser). This variant is not present in population databases (gnomAD no frequency). This variant has not been reported in the literature in individuals affected with DICER1-related conditions. ClinVar contains an entry for this variant (Variation ID: 690477). Advanced modeling of protein sequence and biophysical properties (such as structural, functional, and spatial information, amino acid conservation, physicochemical variation, residue mobility, and thermodynamic stability) performed at Invitae indicates that this missense variant is expected to disrupt DICER1 protein function with a positive predictive value of 80%. In summary, the available evidence is currently insufficient to determine the role of this variant in disease. Therefore, it has been classified as a Variant of Uncertain Significance.

PreventionGenetics, part of Exact Sciences
Classification: Uncertain significance. Last evaluated: 2017-09-06. Review status: criteria provided, single submitter. Criteria: ACMG Guidelines, 2015. Collection method: clinical testing. Allele origin: germline.

NM_177438.3(DICER1):c.4147C>T (p.Pro1383Ser)

Gene: DICER1 (dicer 1, ribonuclease III; minus strand). Cytogenetic location: 14q32.13.
Variant type: single nucleotide variant.
Coding change: c.4147C>T on transcript NM_177438.3 (MANE Select); coding-DNA position 4147, C replaced by T.
Protein change: p.Pro1383Ser; replaces proline 1383 with serine.
Molecular consequence: missense variant.
Genome position (GRCh38, 1-based): chr14:95,099,839, G>A on the plus strand (C>T on the coding strand, the complement: DICER1 is on the minus strand). VCF-style: chr14-95099839-G-A. GRCh37 (hg19) VCF-style: chr14-95566176-G-A.
Other names: c.4147C>T, p.Pro1383Ser (NM_001195573.1, NM_001271282.3, NM_001291628.2 and 1 more transcripts); short protein forms P1383S.
Identifiers: ClinVar variation 690477 (VCV000690477.4), dbSNP rs1595353372, ClinGen allele CA390871933.